The following is an entry in ClinVar:

ClinVar aggregate classification (germline): Conflicting classifications of pathogenicity. Review status: criteria provided, conflicting classifications (1 of 4 stars). 2 submissions from 2 submitters: Uncertain significance (1); Benign (1). Last evaluated 2024-03-20.

Conditions:
Inborn genetic diseases. Identifiers: MedGen C0950123, MeSH D030342.
Acute myeloid leukemia (AML). Also called: Acute myeloid leukemia, adult; AML adult; Acute non-lymphocytic leukemia; Acute granulocytic leukemia; Leukemia, acute myelogenous, somatic; Leukemia, acute myeloid, somatic. Identifiers: Orphanet 519, MedGen C0023467, MeSH D015470, MONDO:0018874, OMIM 601626, HP:0004808. Disease mechanism: Constitutively activated FLT3.

Submissions (2):

Ambry Genetics
Classification: Benign for Inborn genetic diseases. Last evaluated: 2024-03-20. Review status: criteria provided, single submitter. Criteria: Ambry Variant Classification Scheme 2023. Collection method: clinical testing. Allele origin: germline.

Labcorp Genetics (formerly Invitae), Labcorp
Classification: Uncertain significance for Acute myeloid leukemia. Last evaluated: 2023-05-28. Review status: criteria provided, single submitter. Criteria: Invitae Variant Classification Sherloc (09022015). Collection method: clinical testing. Allele origin: germline.
Comment: This variant, c.311_313del, results in the deletion of 1 amino acid(s) of the CEBPA protein (p.Gly104del), but otherwise preserves the integrity of the reading frame. The frequency data for this variant in the population databases is considered unreliable, as metrics indicate poor data quality at this position in the gnomAD database. This variant has been observed in individual(s) with myelodysplastic syndrome and acute myeloid leukemia (PMID: 14726504, 18182175). Experimental studies and prediction algorithms are not available or were not evaluated, and the functional significance of this variant is currently unknown. In summary, the available evidence is currently insufficient to determine the role of this variant in disease. Therefore, it has been classified as a Variant of Uncertain Significance.

Literature cited by the submitters: PubMed 14726504 (cited by Labcorp Genetics (formerly Invitae), Labcorp); PubMed 18182175 (cited by Labcorp Genetics (formerly Invitae), Labcorp).

NM_004364.5(CEBPA):c.296GCG[5] (p.Gly104del)

Gene: CEBPA (CCAAT enhancer binding protein alpha; minus strand). Cytogenetic location: 19q13.11.
Variant type: Microsatellite.
Coding change: c.296GCG[5] on transcript NM_004364.5 (MANE Select); five copies in a row of the 3-base unit GCG starting at c.296; the reference has six copies in a row; one copy, 3 bases deleted.
Protein change: p.Gly104del; deletes glycine 104.
Molecular consequence: inframe deletion. On other transcripts: 5 prime UTR variant (1).
Genome position (GRCh38, 1-based): chr19:33,302,102-33,302,104, CGC deleted on the plus strand (GCG on the coding strand, the reverse complement: CEBPA is on the minus strand); deleting any 3 consecutive bases within chr19:33,302,102-33,302,120 gives the same sequence; the position shown is the placement nearest the transcript's 3' end. VCF-style (leftmost placement, unchanged base first): chr19-33302101-TCGC-T. GRCh37 (hg19) VCF-style: chr19-33793007-TCGC-T.
Other names: c.311_313delGCG (NM_004364.3); c.401GCG[5], p.Gly139del (NM_001287424.2); c.254GCG[5], p.Gly90del (NM_001287435.2); c.-62GCG[5] (NM_001285829.2); short protein forms G104del, G139del, G90del.
Identifiers: ClinVar variation 1009372 (VCV001009372.11), dbSNP rs780345232, ClinGen allele CA405275216.